The following is an entry in ClinVar:

NM_000222.3(KIT):c.1154C>T (p.Thr385Ile)

Gene: KIT (KIT proto-oncogene, receptor tyrosine kinase; plus strand). Cytogenetic location: 4q12.
Variant type: single nucleotide variant.
Coding change: c.1154C>T on transcript NM_000222.3 (MANE Select); coding-DNA position 1154, C replaced by T.
Protein change: p.Thr385Ile; replaces threonine 385 with isoleucine.
Molecular consequence: missense variant.
Genome position (GRCh38, 1-based): chr4:54,709,462, C>T. VCF-style: chr4-54709462-C-T. GRCh37 (hg19) VCF-style: chr4-55575628-C-T.
Other names: c.1154C>T, p.Thr385Ile (NM_001093772.2, NM_001385285.1, NM_001385286.1); c.1157C>T, p.Thr386Ile (NM_001385284.1, NM_001385288.1, NM_001385290.1 and 1 more transcripts); short protein forms T385I, T386I.
Identifiers: ClinVar variation 1520999 (VCV001520999.10), dbSNP rs1721000055, ClinGen allele CA356902219.
Genomic context (GRCh38, chr4:54,709,462, plus strand): 5'-ACTAGTTGTCTTTTCTTTGTAGATACGTAAGTGAACTTCATCTAACGAGATTAAAAGGCA[C>T]CGAAGGAGGCACTTACACATTCCTAGTGTCCAATTCTGACGTCAATGCTGCCATAGCATT-3'
Protein context (NP_000213.1, residues 375-395): SELHLTRLKG[Thr385Ile]EGGTYTFLVS

ClinVar aggregate classification (germline): Uncertain significance. Review status: criteria provided, multiple submitters, no conflicts (2 of 4 stars). 2 submissions from 2 submitters: Uncertain significance (2). Last evaluated 2025-10-28.

Conditions:
Hereditary cancer-predisposing syndrome. Also called: Tumor predisposition; Neoplastic Syndromes, Hereditary; Hereditary Cancer Syndrome; Hereditary neoplastic syndrome. Identifiers: Orphanet 140162, MedGen C0027672, MeSH D009386, MONDO:0015356.
Gastrointestinal stromal tumor. Also called: Gastrointestinal stromal tumor, somatic; Gastrointestinal stroma tumor. Identifiers: Orphanet 44890, MedGen C0238198, MeSH D046152, MONDO:0011719, OMIM 606764, HP:0100723.

gnomAD v4.1: 1 of 1,613,736 alleles (0.000062%); highest among the groups gnomAD compares: Non-Finnish European, 0.000085%; no homozygotes.

Submissions (2):

Ambry Genetics
Classification: Uncertain significance for Hereditary cancer-predisposing syndrome. Last evaluated: 2025-10-28. Review status: criteria provided, single submitter. Criteria: Ambry Variant Classification Scheme 2023. Collection method: clinical testing. Allele origin: germline.
Comment: The p.T385I variant (also known as c.1154C>T), located in coding exon 7 of the KIT gene, results from a C to T substitution at nucleotide position 1154. The threonine at codon 385 is replaced by isoleucine, an amino acid with similar properties. This amino acid position is conserved. In addition, this alteration is predicted to be tolerated by in silico analysis. Since supporting evidence is limited at this time, the clinical significance of this alteration remains unclear.

Labcorp Genetics (formerly Invitae), Labcorp
Classification: Uncertain significance for Gastrointestinal stromal tumor. Last evaluated: 2023-10-03. Review status: criteria provided, single submitter. Criteria: Invitae Variant Classification Sherloc (09022015). Collection method: clinical testing. Allele origin: germline.
Comment: This sequence change replaces threonine, which is neutral and polar, with isoleucine, which is neutral and non-polar, at codon 385 of the KIT protein (p.Thr385Ile). This variant is not present in population databases (gnomAD no frequency). This variant has not been reported in the literature in individuals affected with KIT-related conditions. ClinVar contains an entry for this variant (Variation ID: 1520999). An algorithm developed to predict the effect of missense changes on protein structure and function (PolyPhen-2) suggests that this variant is likely to be tolerated. In summary, the available evidence is currently insufficient to determine the role of this variant in disease. Therefore, it has been classified as a Variant of Uncertain Significance.